The following is an entry in ClinVar:

ClinVar aggregate classification (germline): Uncertain significance (1 of 4 stars; one submission).

Conditions:
Muscle AMP deaminase deficiency (MMDD). Also called: ADENOSINE MONOPHOSPHATE DEAMINASE-1 DEFICIENCY, MYOPATHY DUE TO; AMPD1 DEFICIENCY; Myoadenylate deaminase deficiency, myopathy due to; Adenosine monophosphate deaminase 1 deficiency; AMP deaminase 1 deficiency; Adenosine Monophosphate Deaminase 1. Identifiers: Orphanet 45, MedGen C3714933, MONDO:0014220, OMIM 615511.

Allele frequency attached by ClinVar (database versions not stated): gnomAD 0.00001; TOPMed 0.00001.
gnomAD v4.1: 12 of 1,613,950 alleles (0.00074%); highest among the groups gnomAD compares: Admixed American, 0.0017%; no homozygotes.

Submission:

Labcorp Genetics (formerly Invitae), Labcorp
Classification: Uncertain significance for Muscle AMP deaminase deficiency. Last evaluated: 2022-04-28. Review status: criteria provided, single submitter. Criteria: Invitae Variant Classification Sherloc (09022015). Collection method: clinical testing. Allele origin: germline.
Comment: In summary, the available evidence is currently insufficient to determine the role of this variant in disease. Therefore, it has been classified as a Variant of Uncertain Significance. Algorithms developed to predict the effect of missense changes on protein structure and function (SIFT, PolyPhen-2, Align-GVGD) all suggest that this variant is likely to be tolerated. This variant has not been reported in the literature in individuals affected with AMPD1-related conditions. This variant is present in population databases (no rsID available, gnomAD 0.0009%). This sequence change replaces leucine, which is neutral and non-polar, with isoleucine, which is neutral and non-polar, at codon 505 of the AMPD1 protein (p.Leu505Ile).

NM_000036.3(AMPD1):c.1414C>A (p.Leu472Ile)

Gene: AMPD1 (adenosine monophosphate deaminase 1; minus strand). Cytogenetic location: 1p13.2.
Variant type: single nucleotide variant.
Coding change: c.1414C>A on transcript NM_000036.3 (MANE Select); coding-DNA position 1414, C replaced by A.
Protein change: p.Leu472Ile; replaces leucine 472 with isoleucine.
Molecular consequence: missense variant.
Genome position (GRCh38, 1-based): chr1:114,675,978, G>T on the plus strand (C>A on the coding strand, the complement: AMPD1 is on the minus strand). VCF-style: chr1-114675978-G-T. GRCh37 (hg19) VCF-style: chr1-115218599-G-T.
Other names: c.1402C>A, p.Leu468Ile (NM_001172626.2); short protein forms L468I, L472I.
Identifiers: ClinVar variation 1419204 (VCV001419204.5), dbSNP rs761635115, ClinGen allele CA29053548.